The following is an entry in ClinVar:

ClinVar aggregate classification (germline): Uncertain significance (1 of 4 stars; one submission).

gnomAD v4.1: 9 of 1,614,198 alleles (0.00056%); highest among the groups gnomAD compares: Non-Finnish European, 0.00076%; no homozygotes.

Submission:

Labcorp Genetics (formerly Invitae), Labcorp
Classification: Uncertain significance. Last evaluated: 2025-12-29. Review status: criteria provided, single submitter. Criteria: Invitae Variant Classification Sherloc (09022015). Collection method: clinical testing. Allele origin: germline.
Comment: This sequence change replaces lysine, which is basic and polar, with arginine, which is basic and polar, at codon 669 of the STAT4 protein (p.Lys669Arg). This variant is not present in population databases (gnomAD no frequency). This variant has not been reported in the literature in individuals affected with STAT4-related conditions. Invitae Evidence Modeling of protein sequence and biophysical properties (such as structural, functional, and spatial information, amino acid conservation, physicochemical variation, residue mobility, and thermodynamic stability) indicates that this missense variant is not expected to disrupt STAT4 protein function with a negative predictive value of 80%. In summary, the available evidence is currently insufficient to determine the role of this variant in disease. Therefore, it has been classified as a Variant of Uncertain Significance.

NM_003151.4(STAT4):c.2006A>G (p.Lys669Arg)

Gene: STAT4 (signal transducer and activator of transcription 4; minus strand). Cytogenetic location: 2q32.2.
Variant type: single nucleotide variant.
Coding change: c.2006A>G on transcript NM_003151.4 (MANE Select); coding-DNA position 2006, A replaced by G.
Protein change: p.Lys669Arg; replaces lysine 669 with arginine.
Molecular consequence: missense variant.
Genome position (GRCh38, 1-based): chr2:191,032,996, T>C on the plus strand (A>G on the coding strand, the complement: STAT4 is on the minus strand). VCF-style: chr2-191032996-T-C. GRCh37 (hg19) VCF-style: chr2-191897722-T-C.
Other names: c.2006A>G, p.Lys669Arg (NM_001243835.2); short protein forms K669R.
Identifiers: ClinVar variation 4798614 (VCV004798614.1).